The following is an entry in ClinVar:

ClinVar aggregate classification (germline): Uncertain significance. Review status: criteria provided, multiple submitters, no conflicts (2 of 4 stars). 3 submissions from 3 submitters: Uncertain significance (2). 1 of the submissions does not count toward it. Last evaluated 2025-04-18.

Conditions:
Tuberous sclerosis 2 (TSC2). Identifiers: Orphanet 805, MedGen C1860707, MONDO:0013199, OMIM 613254.
Hereditary cancer-predisposing syndrome. Also called: Neoplastic Syndromes, Hereditary; Tumor predisposition; Hereditary Cancer Syndrome; Hereditary neoplastic syndrome. Identifiers: Orphanet 140162, MedGen C0027672, MeSH D009386, MONDO:0015356.
Tuberous sclerosis syndrome (TSC). Also called: Tuberous Sclerosis Complex; Tuberous sclerosis. Identifiers: Orphanet 805, MedGen C0041341, MONDO:0001734.

Submissions (3):

Ambry Genetics
Classification: Uncertain significance for Hereditary cancer-predisposing syndrome. Last evaluated: 2025-04-18. Review status: criteria provided, single submitter. Criteria: Ambry Variant Classification Scheme 2023. Collection method: clinical testing. Allele origin: germline.
Comment: The p.S758F variant (also known as c.2273C>T), located in coding exon 20 of the TSC2 gene, results from a C to T substitution at nucleotide position 2273. The serine at codon 758 is replaced by phenylalanine, an amino acid with highly dissimilar properties. This variant was reported in 1/325 individuals with a clinical diagnosis of tuberous sclerosis complex; this patient did not have a known family history of tuberous sclerosis (Au KS et al. Genet. Med. 2007 Feb;9:88-100). This amino acid position is highly conserved in available vertebrate species. In addition, this alteration is predicted to be deleterious by in silico analysis. Based on the available evidence, the clinical significance of this variant remains unclear.

Labcorp Genetics (formerly Invitae), Labcorp
Classification: Uncertain significance for Tuberous sclerosis 2. Last evaluated: 2023-04-12. Review status: criteria provided, single submitter. Criteria: Invitae Variant Classification Sherloc (09022015). Collection method: clinical testing. Allele origin: germline.
Comment: This variant is not present in population databases (gnomAD no frequency). In summary, the available evidence is currently insufficient to determine the role of this variant in disease. Therefore, it has been classified as a Variant of Uncertain Significance. Advanced modeling of protein sequence and biophysical properties (such as structural, functional, and spatial information, amino acid conservation, physicochemical variation, residue mobility, and thermodynamic stability) performed at Invitae indicates that this missense variant is not expected to disrupt TSC2 protein function. ClinVar contains an entry for this variant (Variation ID: 49710). This missense change has been observed in individual(s) with tuberous sclerosis complex (PMID: 17304050). This sequence change replaces serine, which is neutral and polar, with phenylalanine, which is neutral and non-polar, at codon 758 of the TSC2 protein (p.Ser758Phe).

Tuberous sclerosis database (TSC2)
No classification provided. Condition: TSC. Review status: no classification provided. Criteria: Tuberous Sclerosis Database Assertion Criteria 2015. Collection method: curation. Allele origin: germline. Affected: yes. Not counted in ClinVar's aggregate classification.

Literature cited by the submitters: PubMed 17304050 (cited by Ambry Genetics and Labcorp Genetics (formerly Invitae), Labcorp).

NM_000548.5(TSC2):c.2273C>T (p.Ser758Phe)

Gene: TSC2 (TSC complex subunit 2; plus strand). Cytogenetic location: 16p13.3.
Variant type: single nucleotide variant.
Coding change: c.2273C>T on transcript NM_000548.5 (MANE Select); coding-DNA position 2273, C replaced by T.
Protein change: p.Ser758Phe; replaces serine 758 with phenylalanine.
Molecular consequence: missense variant.
Genome position (GRCh38, 1-based): chr16:2,072,901, C>T. VCF-style: chr16-2072901-C-T. GRCh37 (hg19) VCF-style: chr16-2122902-C-T.
Other names: c.2273C>T, p.Ser758Phe (NM_001077183.3, NM_001114382.3, NM_001363528.2 and 3 more transcripts); c.2162C>T, p.Ser721Phe (NM_001318827.2); c.2126C>T, p.Ser709Phe (NM_001318829.2); c.1673C>T, p.Ser558Phe (NM_001318831.2); c.2306C>T, p.Ser769Phe (NM_001318832.2); short protein forms S758F, S558F, S709F, S769F, S721F.
Identifiers: ClinVar variation 49710 (VCV000049710.10), dbSNP rs45517223, ClinGen allele CA017135.